The following is an entry in ClinVar:

ClinVar aggregate classification (germline): Uncertain significance. Review status: criteria provided, multiple submitters, no conflicts (2 of 4 stars). 3 submissions from 3 submitters: Uncertain significance (3). Last evaluated 2023-12-05.

Conditions:
Ataxia-telangiectasia syndrome (AT). Also called: ATAXIA-TELANGIECTASIA, COMPLEMENTATION GROUP A; ATAXIA-TELANGIECTASIA, FRESNO VARIANT; LOUIS-BAR SYNDROME; Ataxia telangiectasia (A-T); Cerebello-oculocutaneous telangiectasia; Immunodeficiency with ataxia telangiectasia. Identifiers: Orphanet 100, MedGen C0004135, MONDO:0008840, OMIM 208900.
Hereditary cancer-predisposing syndrome. Also called: Tumor predisposition; Neoplastic Syndromes, Hereditary; Hereditary Cancer Syndrome; Hereditary neoplastic syndrome. Identifiers: Orphanet 140162, MedGen C0027672, MeSH D009386, MONDO:0015356.

Submissions (3):

Color Diagnostics, LLC DBA Color Health
Classification: Uncertain significance for Hereditary cancer-predisposing syndrome. Last evaluated: 2023-12-05. Review status: criteria provided, single submitter. Criteria: ACMG Guidelines, 2015. Collection method: clinical testing. Allele origin: germline.
Comment: This missense variant replaces alanine with threonine at codon 1079 of the ATM protein. Computational prediction suggests that this variant may not impact protein structure and function (internally defined REVEL score threshold <= 0.5, PMID: 27666373). To our knowledge, functional studies have not been reported for this variant. This variant has not been reported in individuals affected with ATM-related disorders in the literature. This variant has not been identified in the general population by the Genome Aggregation Database (gnomAD). The available evidence is insufficient to determine the role of this variant in disease conclusively. Therefore, this variant is classified as a Variant of Uncertain Significance.

Labcorp Genetics (formerly Invitae), Labcorp
Classification: Uncertain significance for Ataxia-telangiectasia syndrome. Last evaluated: 2023-08-17. Review status: criteria provided, single submitter. Criteria: Invitae Variant Classification Sherloc (09022015). Collection method: clinical testing. Allele origin: germline.
Comment: In summary, the available evidence is currently insufficient to determine the role of this variant in disease. Therefore, it has been classified as a Variant of Uncertain Significance. An algorithm developed to predict the effect of missense changes on protein structure and function (PolyPhen-2) suggests that this variant is likely to be tolerated. ClinVar contains an entry for this variant (Variation ID: 629957). This variant has not been reported in the literature in individuals affected with ATM-related conditions. This variant is not present in population databases (gnomAD no frequency). This sequence change replaces alanine, which is neutral and non-polar, with threonine, which is neutral and polar, at codon 1079 of the ATM protein (p.Ala1079Thr).

Ambry Genetics
Classification: Uncertain significance for Hereditary cancer-predisposing syndrome. Last evaluated: 2022-08-30. Review status: criteria provided, single submitter. Criteria: Ambry Variant Classification Scheme 2023. Collection method: clinical testing. Allele origin: germline.
Comment: The p.A1079T variant (also known as c.3235G>A), located in coding exon 21 of the ATM gene, results from a G to A substitution at nucleotide position 3235. The alanine at codon 1079 is replaced by threonine, an amino acid with similar properties. This amino acid position is well conserved in available vertebrate species. In addition, this alteration is predicted to be tolerated by in silico analysis. Since supporting evidence is limited at this time, the clinical significance of this alteration remains unclear.

NM_000051.4(ATM):c.3235G>A (p.Ala1079Thr)

Gene: ATM (ATM serine/threonine kinase; plus strand). Cytogenetic location: 11q22.3.
Variant type: single nucleotide variant.
Coding change: c.3235G>A on transcript NM_000051.4 (MANE Select); coding-DNA position 3235, G replaced by A.
Protein change: p.Ala1079Thr; replaces alanine 1079 with threonine.
Molecular consequence: missense variant.
Genome position (GRCh38, 1-based): chr11:108,272,803, G>A. VCF-style: chr11-108272803-G-A. GRCh37 (hg19) VCF-style: chr11-108143530-G-A.
Other names: c.3235G>A, p.Ala1079Thr (NM_001351834.2); short protein forms A1079T.
Identifiers: ClinVar variation 629957 (VCV000629957.17), dbSNP rs1565428827, ClinGen allele CA382515951.